The following is an entry in ClinVar:

NM_006846.4(SPINK5):c.2240+1G>A

Gene: SPINK5 (serine peptidase inhibitor Kazal type 5; plus strand). Cytogenetic location: 5q32.
Variant type: single nucleotide variant.
Coding change: c.2240+1G>A on transcript NM_006846.4 (MANE Select); the canonical splice donor site of the intron after coding-DNA position 2240, G replaced by A.
Molecular consequence: splice donor variant.
Genome position (GRCh38, 1-based): chr5:148,118,565, G>A. VCF-style: chr5-148118565-G-A. GRCh37 (hg19) VCF-style: chr5-147498128-G-A.
Other names: c.2240+1G>A (NM_001127698.2, NM_001127699.2).
Identifiers: ClinVar variation 372517 (VCV000372517.8), dbSNP rs775341740, ClinGen allele CA3495901.

ClinVar aggregate classification (germline): Pathogenic. Review status: criteria provided, multiple submitters, no conflicts (2 of 4 stars). 4 submissions from 4 submitters: Pathogenic (4). Last evaluated 2026-01-18.

Conditions:
SPINK5-related disorder. Also called: SPINK5-related condition.
Ichthyosis linearis circumflexa. Identifiers: MedGen C0265962, MONDO:0043106, HP:0025810.
Netherton syndrome (NETH). Also called: ERYTHRODERMA, ICHTHYOSIFORM, WITH HYPOTRICHOSIS AND HYPER-IgE; COMEL-NETHERTON SYNDROME; NETHERTON DISEASE. Identifiers: Orphanet 634, MedGen C5574950, MONDO:0009735, OMIM 256500.

Allele frequency attached by ClinVar (database versions not stated): gnomAD 0.00001; TOPMed 0.00001; ExAC 0.00002; gnomAD exomes 0.00002.
gnomAD v4.1: 40 of 1,613,872 alleles (0.0025%); highest among the groups gnomAD compares: South Asian, 0.0033%; no homozygotes.

Submissions (4):

Labcorp Genetics (formerly Invitae), Labcorp
Classification: Pathogenic for Ichthyosis linearis circumflexa. Last evaluated: 2026-01-18. Review status: criteria provided, single submitter. Criteria: Invitae Variant Classification Sherloc (09022015). Collection method: clinical testing. Allele origin: germline.
Comment: This sequence change affects a donor splice site in intron 23 of the SPINK5 gene. It is expected to disrupt RNA splicing. Variants that disrupt the donor or acceptor splice site typically lead to a loss of protein function (PMID: 16199547), and loss-of-function variants in SPINK5 are known to be pathogenic (PMID: 11511292, 11841556). This variant is present in population databases (rs775341740, gnomAD 0.003%). Disruption of this splice site has been observed in individual(s) with Netherton syndrome (PMID: 11511292, 25710899). In at least one individual the data is consistent with being in trans (on the opposite chromosome) from a pathogenic variant. It has also been observed to segregate with disease in related individuals. ClinVar contains an entry for this variant (Variation ID: 372517). Algorithms developed to predict the effect of sequence changes on RNA splicing suggest that this variant may disrupt the consensus splice site. For these reasons, this variant has been classified as Pathogenic.

Blueprint Genetics
Classification: Pathogenic for SPINK5-related disorders. Last evaluated: 2024-08-08. Review status: criteria provided, single submitter. Criteria: ACMG Guidelines, 2015. Collection method: clinical testing. Allele origin: germline. Affected: yes. Observed: 3 variant alleles.

Fulgent Genetics
Classification: Pathogenic for Netherton syndrome. Last evaluated: 2024-06-18. Review status: criteria provided, single submitter. Criteria: ACMG Guidelines, 2015. Collection method: clinical testing. Allele origin: germline.

GeneDx
Classification: Pathogenic. Last evaluated: 2016-05-25. Review status: criteria provided, single submitter. Criteria: GeneDx Variant Classification (06012015). Collection method: clinical testing. Allele origin: germline. Affected: yes.
Comment: The c.2240+1 G>A pathogenic variant in the SPINK5 gene has been reported previously in several patients with Netherton syndrome who were compound heterozygous for another pathogenic variant (Sprecher et al., 2001; Guerra et al., 2015). This splice site variant destroys the canonical splice donor site in intron 23. It is predicted to cause abnormal gene splicing, either leading to an abnormal message that is subject to nonsense-mediated mRNA decay, or to an abnormal protein product if the message is used for protein translation. In addition, the c.2240+1 G>A variant was not observed in approximately 6,000 individuals of European and African American ancestry in the NHLBI Exome Sequencing Project, indicating it is not a common benign variant in these populations. We interpret c.2240+1 G>A as a pathogenic variant.

Literature cited by the submitters: PubMed 16199547 (cited by Labcorp Genetics (formerly Invitae), Labcorp); PubMed 11511292 (cited by Labcorp Genetics (formerly Invitae), Labcorp); PubMed 11841556 (cited by Labcorp Genetics (formerly Invitae), Labcorp); PubMed 25710899 (cited by Labcorp Genetics (formerly Invitae), Labcorp).